The following is an entry in ClinVar:

NM_005026.5(PIK3CD):c.2545G>A (p.Ala849Thr)

Gene: PIK3CD (phosphatidylinositol-4,5-bisphosphate 3-kinase catalytic subunit delta; plus strand). Cytogenetic location: 1p36.22.
Variant type: single nucleotide variant.
Coding change: c.2545G>A on transcript NM_005026.5 (MANE Select); coding-DNA position 2545, G replaced by A.
Protein change: p.Ala849Thr; replaces alanine 849 with threonine.
Molecular consequence: missense variant.
Genome position (GRCh38, 1-based): chr1:9,723,243, G>A. VCF-style: chr1-9723243-G-A. GRCh37 (hg19) VCF-style: chr1-9783301-G-A.
Other names: c.2542G>A, p.Ala848Thr (NM_001350234.2); c.2458G>A, p.Ala820Thr (NM_001350235.1); short protein forms A820T, A849T, A848T.
Identifiers: ClinVar variation 2146492 (VCV002146492.4), dbSNP rs763402967, ClinGen allele CA577566.

ClinVar aggregate classification (germline): Uncertain significance (1 of 4 stars; one submission).

Conditions:
Immunodeficiency 14 (IMD14A). Also called: IMMUNODEFICIENCY 14A WITH LYMPHOPROLIFERATION, AUTOSOMAL DOMINANT; Activated PI3K Delta Syndrome Type 1 (APDS1); p110-DELTA-ACTIVATING MUTATION CAUSING SENESCENT T CELLS, LYMPHADENOPATHY, AND IMMUNODEFICIENCY; ACTIVATED PI3K-DELTA SYNDROME 1. Identifiers: Orphanet 397596, Orphanet 693661, MedGen C5907821, MONDO:0014222, OMIM 615513.

Allele frequency attached by ClinVar (database versions not stated): gnomAD exomes below 0.00001; ExAC 0.00001; gnomAD 0.00001.
gnomAD v4.1: 7 of 1,613,912 alleles (0.00043%); highest among the groups gnomAD compares: Admixed American, 0.0017%; no homozygotes.

Submission:

Labcorp Genetics (formerly Invitae), Labcorp
Classification: Uncertain significance for Activated PI3K-delta syndrome. Last evaluated: 2023-02-10. Review status: criteria provided, single submitter. Criteria: Invitae Variant Classification Sherloc (09022015). Collection method: clinical testing. Allele origin: germline.
Comment: This sequence change replaces alanine, which is neutral and non-polar, with threonine, which is neutral and polar, at codon 849 of the PIK3CD protein (p.Ala849Thr). This variant is present in population databases (rs763402967, gnomAD 0.003%). This variant has not been reported in the literature in individuals affected with PIK3CD-related conditions. Advanced modeling of protein sequence and biophysical properties (such as structural, functional, and spatial information, amino acid conservation, physicochemical variation, residue mobility, and thermodynamic stability) performed at Invitae indicates that this missense variant is not expected to disrupt PIK3CD protein function. In summary, the available evidence is currently insufficient to determine the role of this variant in disease. Therefore, it has been classified as a Variant of Uncertain Significance.